The following is an entry in ClinVar:

ClinVar aggregate classification (germline): Likely benign (1 of 4 stars; one submission).

Conditions:
Pseudohypoparathyroidism type 1B (PHP1B). Also called: Pseudohypoparathyroidism Ib (PHP-Ib); Pseudohypoparathyroidism Type IB; PHP IB. Identifiers: Orphanet 94089, MedGen C1864100, MONDO:0011301, OMIM 603233.

Allele frequency attached by ClinVar (database versions not stated): ExAC 0.00002; gnomAD 0.00004 and 0.00005; gnomAD exomes 0.00004; TOPMed 0.00004.
gnomAD v4.1: 91 of 1,606,926 alleles (0.0057%); highest among the groups gnomAD compares: East Asian, 0.042%; no homozygotes.

Submission:

Illumina Laboratory Services, Illumina
Classification: Likely benign for Pseudohypoparathyroidism type 1B. Last evaluated: 2018-01-12. Review status: criteria provided, single submitter. Criteria: ICSL Variant Classification Criteria 13 December 2019. Collection method: clinical testing. Allele origin: germline.
Comment: This variant was observed in the ICSL laboratory as part of a predisposition screen in an ostensibly healthy population. It had not been previously curated by ICSL or reported in the Human Gene Mutation Database (HGMD: prior to June 1st, 2018), and was therefore a candidate for classification through an automated scoring system. Utilizing variant allele frequency, disease prevalence and penetrance estimates, and inheritance mode, an automated score was calculated to assess if this variant is too frequent to cause the disease. Based on the score and internal cut-off values, a variant classified as likely benign is not then subjected to further curation. The score for this variant resulted in a classification of likely benign for this disease.

NM_001001433.3(STX16):c.*17G>A

Genes: STX16 (syntaxin 16; plus strand), STX16-NPEPL1 (STX16-NPEPL1 readthrough (NMD candidate); plus strand). Cytogenetic location: 20q13.32.
Variant type: single nucleotide variant.
Coding change: c.*17G>A on transcript NM_001001433.3 (MANE Select); 17 bases downstream of the stop codon, G replaced by A.
Molecular consequence: 3 prime UTR variant. On other transcripts: non-coding transcript variant (3).
Genome position (GRCh38, 1-based): chr20:58,676,308, G>A. VCF-style: chr20-58676308-G-A. GRCh37 (hg19) VCF-style: chr20-57251364-G-A.
Other names: c.*17G>A (NM_001134772.3, NM_001134773.3, NM_001204868.2 and 1 more transcripts).
Identifiers: ClinVar variation 897373 (VCV000897373.4), dbSNP rs766728803, ClinGen allele CA9925500.